The following is an entry in ClinVar:

NM_001220.5(CAMK2B):c.1784G>T (p.Ser595Ile)

Gene: CAMK2B (calcium/calmodulin dependent protein kinase II beta; minus strand). Cytogenetic location: 7p13.
Variant type: single nucleotide variant.
Coding change: c.1784G>T on transcript NM_001220.5 (MANE Select); coding-DNA position 1784, G replaced by T.
Protein change: p.Ser595Ile; replaces serine 595 with isoleucine.
Molecular consequence: missense variant.
Genome position (GRCh38, 1-based): chr7:44,220,279, C>A on the plus strand (G>T on the coding strand, the complement: CAMK2B is on the minus strand). VCF-style: chr7-44220279-C-A. GRCh37 (hg19) VCF-style: chr7-44259878-C-A.
Other names: c.1412G>T, p.Ser471Ile (NM_001293170.2, NM_172078.3); c.1340G>T, p.Ser447Ile (NM_172079.3); c.1337G>T, p.Ser446Ile (NM_172080.3); c.1295G>T, p.Ser432Ile (NM_172081.3); c.1262G>T, p.Ser421Ile (NM_172082.3); c.1223G>T, p.Ser408Ile (NM_172083.3); c.1133G>T, p.Ser378Ile (NM_172084.3); short protein forms S378I, S432I, S447I, S471I, S408I, S421I, S446I, S595I.
Identifiers: ClinVar variation 3646332 (VCV003646332.2).

ClinVar aggregate classification (germline): Uncertain significance (1 of 4 stars; one submission).

Submission:

Labcorp Genetics (formerly Invitae), Labcorp
Classification: Uncertain significance. Last evaluated: 2024-03-16. Review status: criteria provided, single submitter. Criteria: Invitae Variant Classification Sherloc (09022015). Collection method: clinical testing. Allele origin: germline.
Comment: This sequence change replaces serine, which is neutral and polar, with isoleucine, which is neutral and non-polar, at codon 595 of the CAMK2B protein (p.Ser595Ile). This variant is not present in population databases (gnomAD no frequency). This variant has not been reported in the literature in individuals affected with CAMK2B-related conditions. An algorithm developed to predict the effect of missense changes on protein structure and function (PolyPhen-2) suggests that this variant is likely to be tolerated. In summary, the available evidence is currently insufficient to determine the role of this variant in disease. Therefore, it has been classified as a Variant of Uncertain Significance.